The following is an entry in ClinVar:

NM_206933.4(USH2A):c.6344C>T (p.Pro2115Leu)

Gene: USH2A (usherin; minus strand). Cytogenetic location: 1q41.
Variant type: single nucleotide variant.
Coding change: c.6344C>T on transcript NM_206933.4 (MANE Select); coding-DNA position 6344, C replaced by T.
Protein change: p.Pro2115Leu; replaces proline 2115 with leucine.
Molecular consequence: missense variant.
Genome position (GRCh38, 1-based): chr1:216,000,544, G>A on the plus strand (C>T on the coding strand, the complement: USH2A is on the minus strand). VCF-style: chr1-216000544-G-A. GRCh37 (hg19) VCF-style: chr1-216173886-G-A.
Other names: short protein forms P2115L.
Identifiers: ClinVar variation 938292 (VCV000938292.13), dbSNP rs373034742, ClinGen allele CA1395163.

ClinVar aggregate classification (germline): Uncertain significance. Review status: criteria provided, multiple submitters, no conflicts (2 of 4 stars). 6 submissions from 6 submitters: Uncertain significance (5). 1 of the submissions does not count toward it. Last evaluated 2025-12-29.

Conditions:
USH2A-related disorder. Also called: USH2A-related disorders; USH2A-related condition. Identifiers: MedGen CN239332.
Inborn genetic diseases. Identifiers: MedGen C0950123, MeSH D030342.
Usher syndrome type 2A. Also called: RETINAL DISEASE IN USHER SYNDROME TYPE IIA, MODIFIER OF; USHER SYNDROME, TYPE IIA. Identifiers: Orphanet 231178, Orphanet 886, MedGen C1848634, MONDO:0010169, OMIM 276901.

Allele frequency attached by ClinVar (database versions not stated): ExAC 0.00001; gnomAD exomes 0.00001; gnomAD 0.00005 and 0.00006; ESP Exome Variant Server 0.00008; TOPMed 0.00008.
gnomAD v4.1: 16 of 1,613,222 alleles (0.00099%); highest among the groups gnomAD compares: African/African-American, 0.016%; no homozygotes.

Submissions (6):

PreventionGenetics, part of Exact Sciences
Classification: Uncertain significance for USH2A-related condition. Last evaluated: 2025-12-29. Review status: criteria provided, single submitter. Criteria: ACMG Guidelines, 2015. Collection method: clinical testing. Allele origin: germline.
Comment: The USH2A c.6344C>T variant is predicted to result in the amino acid substitution p.Pro2115Leu. To our knowledge, this variant has not been reported in the literature. This variant is reported in 0.020% of alleles in individuals of African descent in gnomAD. At this time, the clinical significance of this variant is uncertain due to the absence of conclusive functional and genetic evidence.

Labcorp Genetics (formerly Invitae), Labcorp
Classification: Uncertain significance. Last evaluated: 2025-08-25. Review status: criteria provided, single submitter. Criteria: Invitae Variant Classification Sherloc (09022015). Collection method: clinical testing. Allele origin: germline.
Comment: This sequence change replaces proline, which is neutral and non-polar, with leucine, which is neutral and non-polar, at codon 2115 of the USH2A protein (p.Pro2115Leu). This variant is present in population databases (rs373034742, gnomAD 0.02%). This missense change has been observed in individual(s) with USH2A-related conditions (internal data). ClinVar contains an entry for this variant (Variation ID: 938292). Invitae Evidence Modeling of protein sequence and biophysical properties (such as structural, functional, and spatial information, amino acid conservation, physicochemical variation, residue mobility, and thermodynamic stability) indicates that this missense variant is not expected to disrupt USH2A protein function with a negative predictive value of 95%. In summary, the available evidence is currently insufficient to determine the role of this variant in disease. Therefore, it has been classified as a Variant of Uncertain Significance.

GeneDx
Classification: Uncertain significance. Last evaluated: 2024-09-16. Review status: criteria provided, single submitter. Criteria: GeneDx Variant Classification Process June 2021. Collection method: clinical testing. Allele origin: germline. Affected: yes.
Comment: In silico analysis supports that this missense variant has a deleterious effect on protein structure/function; Has not been previously published as pathogenic or benign to our knowledge

Ambry Genetics
Classification: Uncertain significance for Inborn genetic diseases. Last evaluated: 2024-05-20. Review status: criteria provided, single submitter. Criteria: Ambry Variant Classification Scheme 2023. Collection method: clinical testing. Allele origin: germline.

Blueprint Genetics
Classification: Uncertain significance. Last evaluated: 2022-02-01. Review status: criteria provided, single submitter. Criteria: ACMG Guidelines, 2015. Collection method: clinical testing. Allele origin: germline.

Natera, Inc.
Classification: Uncertain significance for Usher syndrome type 2A. Last evaluated: 2020-07-21. Review status: no assertion criteria provided. Collection method: clinical testing. Allele origin: germline. Not counted in ClinVar's aggregate classification.